The following is an entry in ClinVar:

NM_032444.4(SLX4):c.2855C>T (p.Ala952Val)

Gene: SLX4 (SLX4 structure-specific endonuclease subunit; minus strand). Cytogenetic location: 16p13.3.
Variant type: single nucleotide variant.
Coding change: c.2855C>T on transcript NM_032444.4 (MANE Select); coding-DNA position 2855, C replaced by T.
Protein change: p.Ala952Val; replaces alanine 952 with valine.
Molecular consequence: missense variant.
Genome position (GRCh38, 1-based): chr16:3,590,783, G>A on the plus strand (C>T on the coding strand, the complement: SLX4 is on the minus strand). VCF-style: chr16-3590783-G-A. GRCh37 (hg19) VCF-style: chr16-3640784-G-A.
Other names: c.2855C>T (LRG_503t1); short protein forms A952V.
Identifiers: ClinVar variation 262045 (VCV000262045.26), dbSNP rs78637028, ClinGen allele CA7866052.

ClinVar aggregate classification (germline): Benign/Likely benign. Review status: criteria provided, multiple submitters, no conflicts (2 of 4 stars). 7 submissions from 7 submitters: Benign (6); Likely benign (1). Last evaluated 2025-07-02.

Conditions:
Fanconi anemia complementation group P. Also called: SLX4-Related Fanconi Anemia. Identifiers: Orphanet 84, MedGen C3469542, MONDO:0013499, OMIM 613951.
Fanconi anemia (FA). Also called: Fanconi's anemia. Identifiers: Orphanet 84, MedGen C0015625, MeSH D005199, MONDO:0019391.

Allele frequency attached by ClinVar (database versions not stated): TOPMed 0.04648; ESP Exome Variant Server 0.04771; gnomAD 0.04932 and 0.04953; gnomAD exomes 0.05817 and 0.06159; ExAC 0.05839; 1000 Genomes Project 0.04113; 1000 Genomes Project 30x 0.04216.
gnomAD v4.1: 97,208 of 1,613,928 alleles (6%); highest among the groups gnomAD compares: Admixed American, 6.6%; 3,253 homozygotes.

Submissions (24):

ARUP Laboratories, Molecular Genetics and Genomics, ARUP Laboratories
Classification: Benign for Fanconi anemia complementation group P. Last evaluated: 2025-07-02. Review status: criteria provided, single submitter. Criteria: ARUP Molecular Germline Variant Investigation Process 2024. Collection method: clinical testing. Allele origin: germline.

Blueprint Genetics
Classification: Likely benign. Last evaluated: 2024-11-27. Review status: criteria provided, single submitter. Criteria: ACMG Guidelines, 2015. Collection method: clinical testing. Allele origin: germline.

Labcorp Genetics (formerly Invitae), Labcorp
Classification: Benign for Fanconi anemia. Last evaluated: 2023-02-17. Review status: criteria provided, single submitter. Criteria: Invitae Variant Classification Sherloc (09022015). Collection method: clinical testing. Allele origin: germline.

GeneDx
Classification: Benign. Last evaluated: 2019-02-24. Review status: criteria provided, single submitter. Criteria: GeneDx Variant Classification Process June 2021. Collection method: clinical testing. Allele origin: germline. Affected: yes.

Illumina Laboratory Services, Illumina
Classification: Benign for Fanconi anemia complementation group P. Last evaluated: 2018-01-13. Review status: criteria provided, single submitter. Criteria: ICSL Variant Classification Criteria 13 December 2019. Collection method: clinical testing. Allele origin: germline.
Comment: This variant was observed in the ICSL laboratory as part of a predisposition screen in an ostensibly healthy population. It had not been previously curated by ICSL or reported in the Human Gene Mutation Database (HGMD: prior to June 1st, 2018), and was therefore a candidate for classification through an automated scoring system. Utilizing variant allele frequency, disease prevalence and penetrance estimates, and inheritance mode, an automated score was calculated to assess if this variant is too frequent to cause the disease. Based on the score and internal cut-off values, a variant classified as benign is not then subjected to further curation. The score for this variant resulted in a classification of benign for this disease.

Breakthrough Genomics
Classification: Benign. Review status: criteria provided, single submitter. Criteria: ACMG Guidelines, 2015. Collection method: not provided. Allele origin: germline. Inheritance: Autosomal recessive inheritance. Affected: yes.

PreventionGenetics, part of Exact Sciences
Classification: Benign. Review status: criteria provided, single submitter. Criteria: ACMG Guidelines, 2015. Collection method: clinical testing. Allele origin: germline.

Dr. Peter K. Rogan Lab, Western University
No classification provided (evidence only). Condition: Acute myeloid leukemia. Review status: no classification provided. Collection method: in vitro. Allele origin: not applicable. Functional consequence: retained intron. Not counted in ClinVar's aggregate classification.

Dr. Peter K. Rogan Lab, Western University
No classification provided (evidence only). Condition: Acute myeloid leukemia. Review status: no classification provided. Collection method: in vitro. Allele origin: not applicable. Functional consequence: retained intron. Not counted in ClinVar's aggregate classification.

Dr. Peter K. Rogan Lab, Western University
No classification provided (evidence only). Condition: Acute myeloid leukemia. Review status: no classification provided. Collection method: in vitro. Allele origin: not applicable. Functional consequence: retained intron. Not counted in ClinVar's aggregate classification.

Dr. Peter K. Rogan Lab, Western University
No classification provided (evidence only). Condition: Acute myeloid leukemia. Review status: no classification provided. Collection method: in vitro. Allele origin: not applicable. Functional consequence: retained intron. Not counted in ClinVar's aggregate classification.

Dr. Peter K. Rogan Lab, Western University
No classification provided (evidence only). Condition: Colorectal cancer. Review status: no classification provided. Collection method: in vitro. Allele origin: not applicable. Functional consequence: retained intron. Not counted in ClinVar's aggregate classification.

Dr. Peter K. Rogan Lab, Western University
No classification provided (evidence only). Condition: Colorectal cancer. Review status: no classification provided. Collection method: in vitro. Allele origin: not applicable. Functional consequence: retained intron. Not counted in ClinVar's aggregate classification.

Dr. Peter K. Rogan Lab, Western University
No classification provided (evidence only). Condition: Colorectal cancer. Review status: no classification provided. Collection method: in vitro. Allele origin: not applicable. Functional consequence: retained intron. Not counted in ClinVar's aggregate classification.

Dr. Peter K. Rogan Lab, Western University
No classification provided (evidence only). Condition: Uterine corpus endometrial carcinoma. Review status: no classification provided. Collection method: in vitro. Allele origin: not applicable. Functional consequence: retained intron. Not counted in ClinVar's aggregate classification.

Dr. Peter K. Rogan Lab, Western University
No classification provided (evidence only). Condition: Uterine corpus endometrial carcinoma. Review status: no classification provided. Collection method: in vitro. Allele origin: not applicable. Functional consequence: retained intron. Not counted in ClinVar's aggregate classification.

Dr. Peter K. Rogan Lab, Western University
No classification provided (evidence only). Condition: Uterine corpus endometrial carcinoma. Review status: no classification provided. Collection method: in vitro. Allele origin: not applicable. Functional consequence: retained intron. Not counted in ClinVar's aggregate classification.

Dr. Peter K. Rogan Lab, Western University
No classification provided (evidence only). Condition: Cholangiocarcinoma. Review status: no classification provided. Collection method: in vitro. Allele origin: not applicable. Functional consequence: retained intron. Not counted in ClinVar's aggregate classification.

Dr. Peter K. Rogan Lab, Western University
No classification provided (evidence only). Condition: Cholangiocarcinoma. Review status: no classification provided. Collection method: in vitro. Allele origin: not applicable. Functional consequence: retained intron. Not counted in ClinVar's aggregate classification.

Dr. Peter K. Rogan Lab, Western University
No classification provided (evidence only). Condition: Cholangiocarcinoma. Review status: no classification provided. Collection method: in vitro. Allele origin: not applicable. Functional consequence: retained intron. Not counted in ClinVar's aggregate classification.

Dr. Peter K. Rogan Lab, Western University
No classification provided (evidence only). Condition: Adrenocortical carcinoma, hereditary. Review status: no classification provided. Collection method: in vitro. Allele origin: not applicable. Functional consequence: retained intron. Not counted in ClinVar's aggregate classification.

Dr. Peter K. Rogan Lab, Western University
No classification provided (evidence only). Condition: Adrenocortical carcinoma, hereditary. Review status: no classification provided. Collection method: in vitro. Allele origin: not applicable. Functional consequence: retained intron. Not counted in ClinVar's aggregate classification.

Dr. Peter K. Rogan Lab, Western University
No classification provided (evidence only). Condition: Uveal melanoma. Review status: no classification provided. Collection method: in vitro. Allele origin: not applicable. Functional consequence: retained intron. Not counted in ClinVar's aggregate classification.

Dr. Peter K. Rogan Lab, Western University
No classification provided (evidence only). Condition: Uveal melanoma. Review status: no classification provided. Collection method: in vitro. Allele origin: not applicable. Functional consequence: retained intron. Not counted in ClinVar's aggregate classification.